The following is an entry in ClinVar:

ClinVar aggregate classification (germline): Pathogenic/Likely pathogenic. Review status: criteria provided, multiple submitters, no conflicts (2 of 4 stars). 2 submissions from 2 submitters: Pathogenic (1); Likely pathogenic (1). Last evaluated 2024-11-04.

Conditions:
Leber congenital amaurosis 5 (LCA5). Also called: Amaurosis congenita of Leber, type 5. Identifiers: Orphanet 65, MedGen C1858301, MONDO:0011473, OMIM 604537.

Submissions (2):

Natera, Inc.
Classification: Likely pathogenic for Leber congenital amaurosis type 5. Last evaluated: 2024-11-04. Review status: criteria provided, single submitter. Criteria: Natera Variant Classification Schema (03/2026). Collection method: clinical testing. Allele origin: germline.
Comment: The c.721-1G>A variant in LCA5 is a canonical splice acceptor site variant predicted to affect pre-mRNA splicing, which may result in an abnormal transcript and altered protein product. This variant may result in a truncated or dysfunctional protein product. This variant is rare in the general population with a frequency below the threshold expected for the associated phenotype(s). This variant has been observed in one or more individuals affected with the associated recessive disease, as either homozygous or compound heterozygous with a second variant (PMID: 26856745). Given the available evidence, this variant is classified as Likely Pathogenic.

Labcorp Genetics (formerly Invitae), Labcorp
Classification: Pathogenic. Last evaluated: 2023-10-04. Review status: criteria provided, single submitter. Criteria: Invitae Variant Classification Sherloc (09022015). Collection method: clinical testing. Allele origin: germline.
Comment: This sequence change affects an acceptor splice site in intron 4 of the LCA5 gene. It is expected to disrupt RNA splicing. Variants that disrupt the donor or acceptor splice site typically lead to a loss of protein function (PMID: 16199547), and loss-of-function variants in LCA5 are known to be pathogenic (PMID: 17546029, 23946133). This variant is present in population databases (no rsID available, gnomAD 0.006%). Disruption of this splice site has been observed in individual(s) with Leber congenital amaurosis (PMID: 26856745). In at least one individual the data is consistent with being in trans (on the opposite chromosome) from a pathogenic variant. Algorithms developed to predict the effect of sequence changes on RNA splicing suggest that this variant may disrupt the consensus splice site. For these reasons, this variant has been classified as Pathogenic.

Literature cited by the submitters: PubMed 26856745 (cited by Natera, Inc. and Labcorp Genetics (formerly Invitae), Labcorp); PubMed 16199547 (cited by Labcorp Genetics (formerly Invitae), Labcorp); PubMed 17546029 (cited by Labcorp Genetics (formerly Invitae), Labcorp); PubMed 23946133 (cited by Labcorp Genetics (formerly Invitae), Labcorp).

NM_001122769.3(LCA5):c.721-1G>A

Gene: LCA5 (lebercilin LCA5; minus strand). Cytogenetic location: 6q14.1.
Variant type: single nucleotide variant.
Coding change: c.721-1G>A on transcript NM_001122769.3 (MANE Select); the canonical splice acceptor site of the intron before coding-DNA position 721, G replaced by A.
Molecular consequence: splice acceptor variant.
Genome position (GRCh38, 1-based): chr6:79,493,751, C>T on the plus strand (G>A on the coding strand, the complement: LCA5 is on the minus strand). VCF-style: chr6-79493751-C-T. GRCh37 (hg19) VCF-style: chr6-80203468-C-T.
Other names: c.721-1G>A (NM_181714.3, NM_181714.4).
Identifiers: ClinVar variation 2734917 (VCV002734917.4), dbSNP rs1372793089, ClinGen allele CA364645504.